The following is an entry in ClinVar:

NM_002691.4(POLD1):c.102C>G (p.Phe34Leu)

Gene: POLD1 (DNA polymerase delta 1, catalytic subunit; plus strand). Cytogenetic location: 19q13.33.
Variant type: single nucleotide variant.
Coding change: c.102C>G on transcript NM_002691.4 (MANE Select); coding-DNA position 102, C replaced by G.
Protein change: p.Phe34Leu; replaces phenylalanine 34 with leucine.
Molecular consequence: missense variant. On other transcripts: non-coding transcript variant (1).
Genome position (GRCh38, 1-based): chr19:50,398,953, C>G. VCF-style: chr19-50398953-C-G. GRCh37 (hg19) VCF-style: chr19-50902210-C-G.
Other names: c.102C>G, p.Phe34Leu (NM_001256849.1, NM_001308632.1); short protein forms F34L.
Identifiers: ClinVar variation 841478 (VCV000841478.11), dbSNP rs754716741, ClinGen allele CA406970141.

ClinVar aggregate classification (germline): Conflicting classifications of pathogenicity. Review status: criteria provided, conflicting classifications (1 of 4 stars). 2 submissions from 2 submitters: Uncertain significance (1); Likely benign (1). Last evaluated 2025-08-27.

Conditions:
Hereditary cancer-predisposing syndrome. Also called: Tumor predisposition; Hereditary Cancer Syndrome; Hereditary neoplastic syndrome; Neoplastic Syndromes, Hereditary. Identifiers: Orphanet 140162, MedGen C0027672, MeSH D009386, MONDO:0015356.
POLD1-related polyposis and colorectal cancer syndrome (CRCS10). Also called: Colorectal cancer 10; COLORECTAL CANCER, SUSCEPTIBILITY TO, ON CHROMOSOME 19q; Colorectal cancer, susceptibility to, 10. Identifiers: Orphanet 220460, MedGen C2675481, MONDO:0012953, OMIM 612591.

gnomAD v4.1: 9 of 1,585,960 alleles (0.00057%); highest among the groups gnomAD compares: Non-Finnish European, 0.00077%; no homozygotes.

Submissions (2):

Labcorp Genetics (formerly Invitae), Labcorp
Classification: Uncertain significance for POLD1-related polyposis and colorectal cancer syndrome. Last evaluated: 2025-08-27. Review status: criteria provided, single submitter. Criteria: Invitae Variant Classification Sherloc (09022015). Collection method: clinical testing. Allele origin: germline.
Comment: This sequence change replaces phenylalanine, which is neutral and non-polar, with leucine, which is neutral and non-polar, at codon 34 of the POLD1 protein (p.Phe34Leu). This variant is not present in population databases (gnomAD no frequency). This variant has not been reported in the literature in individuals affected with POLD1-related conditions. ClinVar contains an entry for this variant (Variation ID: 841478). An algorithm developed to predict the effect of missense changes on protein structure and function outputs the following: PolyPhen-2: "Benign". The leucine amino acid residue is found in multiple mammalian species, which suggests that this missense change does not adversely affect protein function. In summary, the available evidence is currently insufficient to determine the role of this variant in disease. Therefore, it has been classified as a Variant of Uncertain Significance.

Ambry Genetics
Classification: Likely benign for Hereditary cancer-predisposing syndrome. Last evaluated: 2025-07-09. Review status: criteria provided, single submitter. Criteria: Ambry Variant Classification Scheme 2023. Collection method: clinical testing. Allele origin: germline.